The following is an entry in ClinVar:

ClinVar aggregate classification (germline): Uncertain significance (1 of 4 stars; one submission).

Conditions:
Myasthenic syndrome, congenital, 23, presynaptic. Identifiers: MedGen C4748678, MONDO:0032596, OMIM 618197.

Submission:

Pediatric Neurology, Ankara Etlik City Hospital, Health Sciences University
Classification: Uncertain significance for Myasthenic syndrome, congenital, 23, presynaptic. Last evaluated: 2026-04-14. Review status: criteria provided, single submitter. Criteria: ACMG Guidelines, 2015. Collection method: clinical testing. Allele origin: germline. Inheritance: Autosomal recessive inheritance. Affected: yes. Observed: 1 variant allele, 1 homozygote.
Comment: PM2 PP2

NM_005984.5(SLC25A1):c.634G>A (p.Asp212Asn)

Gene: SLC25A1 (solute carrier family 25 member 1; minus strand). Cytogenetic location: 22q11.21.
Variant type: single nucleotide variant.
Coding change: c.634G>A on transcript NM_005984.5 (MANE Select); coding-DNA position 634, G replaced by A.
Protein change: p.Asp212Asn; replaces aspartic acid 212 with asparagine.
Molecular consequence: missense variant. On other transcripts: non-coding transcript variant (1).
Genome position (GRCh38, 1-based): chr22:19,176,691, C>T on the plus strand (G>A on the coding strand, the complement: SLC25A1 is on the minus strand). VCF-style: chr22-19176691-C-T. GRCh37 (hg19) VCF-style: chr22-19164204-C-T.
Other names: c.655G>A, p.Asp219Asn (NM_001256534.2); c.325G>A, p.Asp109Asn (NM_001287387.2); short protein forms D109N, D212N, D219N.
Identifiers: ClinVar variation 4845287 (VCV004845287.1).